The following is an entry in ClinVar:

NM_021813.4(BACH2):c.911C>T (p.Ala304Val)

Gene: BACH2 (BACH transcriptional regulator 2; minus strand). Cytogenetic location: 6q15.
Variant type: single nucleotide variant.
Coding change: c.911C>T on transcript NM_021813.4 (MANE Select); coding-DNA position 911, C replaced by T.
Protein change: p.Ala304Val; replaces alanine 304 with valine.
Molecular consequence: missense variant.
Genome position (GRCh38, 1-based): chr6:89,951,195, G>A on the plus strand (C>T on the coding strand, the complement: BACH2 is on the minus strand). VCF-style: chr6-89951195-G-A. GRCh37 (hg19) VCF-style: chr6-90660914-G-A.
Other names: c.911C>T, p.Ala304Val (NM_001170794.2); short protein forms A304V.
Identifiers: ClinVar variation 1676035 (VCV001676035.35), dbSNP rs747189218, ClinGen allele CA365071954.
Genomic context (GRCh38, chr6:89,951,195, plus strand): 5'-GCTGGGGCCGTGGGGGTAGGGGCAGGGCTGGGCTGTTTCCGGTCCATCTCGACATCCCCC[G>A]CTCTGTCCTTGGCGTCAGGCTCATCTCCAGACAGGCAGAGCGTGATGCTCTCTTCCTCAT-3'
Protein context (NP_068585.1, residues 294-314): SGDEPDAKDR[Ala304Val]GDVEMDRKQP

ClinVar aggregate classification (germline): Conflicting classifications of pathogenicity. Review status: criteria provided, conflicting classifications (1 of 4 stars). 2 submissions from 2 submitters: Uncertain significance (1); Likely benign (1). Last evaluated 2024-04-22.

gnomAD v4.1: 6 of 1,613,656 alleles (0.00037%); highest among the groups gnomAD compares: East Asian, 0.0067%; no homozygotes.

Submissions (2):

Labcorp Genetics (formerly Invitae), Labcorp
Classification: Uncertain significance. Last evaluated: 2024-04-22. Review status: criteria provided, single submitter. Criteria: Invitae Variant Classification Sherloc (09022015). Collection method: clinical testing. Allele origin: germline.
Comment: This sequence change replaces alanine, which is neutral and non-polar, with valine, which is neutral and non-polar, at codon 304 of the BACH2 protein (p.Ala304Val). This variant is not present in population databases (gnomAD no frequency). This variant has not been reported in the literature in individuals affected with BACH2-related conditions. ClinVar contains an entry for this variant (Variation ID: 1676035). Advanced modeling of protein sequence and biophysical properties (such as structural, functional, and spatial information, amino acid conservation, physicochemical variation, residue mobility, and thermodynamic stability) performed at Invitae indicates that this missense variant is not expected to disrupt BACH2 protein function with a negative predictive value of 80%. In summary, the available evidence is currently insufficient to determine the role of this variant in disease. Therefore, it has been classified as a Variant of Uncertain Significance.

CeGaT Center for Human Genetics Tuebingen
Classification: Likely benign. Last evaluated: 2022-03-01. Review status: criteria provided, single submitter. Criteria: CeGaT Center For Human Genetics Tuebingen Variant Classification Criteria Version 2. Collection method: clinical testing. Allele origin: germline. Affected: yes. Observed: 1 variant allele.
Comment: BACH2: BP4